The following is an entry in ClinVar:

ClinVar aggregate classification (germline): Benign. Review status: criteria provided, multiple submitters, no conflicts (2 of 4 stars). 9 submissions from 9 submitters: Benign (8). 1 of the submissions does not count toward it. Last evaluated 2026-02-04.

Conditions:
Kabuki syndrome 2 (KABUK2). Also called: KDM6A-Related Kabuki Syndrome. Identifiers: Orphanet 2322, MedGen C3275495, MONDO:0010465, OMIM 300867.

Allele frequency attached by ClinVar (database versions not stated): 1000 Genomes Project 30x 0.14527; TOPMed 0.10862; 1000 Genomes Project 0.15550; ESP Exome Variant Server 0.09278.
gnomAD v4.1: 152,490 of 1,208,646 alleles (13%); highest among the groups gnomAD compares: East Asian, 42%; 7,744 homozygotes.

Submissions (20):

Labcorp Genetics (formerly Invitae), Labcorp
Classification: Benign for Kabuki syndrome 2. Last evaluated: 2026-02-04. Review status: criteria provided, single submitter. Criteria: Invitae Variant Classification Sherloc (09022015). Collection method: clinical testing. Allele origin: germline.

Blueprint Genetics
Classification: Benign. Last evaluated: 2024-11-28. Review status: criteria provided, single submitter. Criteria: ACMG Guidelines, 2015. Collection method: clinical testing. Allele origin: germline.

Mayo Clinic Laboratories, Mayo Clinic
Classification: Benign. Last evaluated: 2022-10-21. Review status: criteria provided, single submitter. Criteria: ACMG Guidelines, 2015. Collection method: clinical testing. Allele origin: germline. Observed: 82 variant alleles.

GeneDx
Classification: Benign. Last evaluated: 2018-07-17. Review status: criteria provided, single submitter. Criteria: GeneDx Variant Classification Process June 2021. Collection method: clinical testing. Allele origin: germline. Affected: yes.

Eurofins Ntd Llc (ga)
Classification: Benign. Last evaluated: 2015-09-29. Review status: criteria provided, single submitter. Criteria: EGL Classification Definitions 2015. Collection method: clinical testing. Allele origin: germline. Observed: 16 variant alleles, 8 heterozygotes, 8 hemizygotes.

Genetic Services Laboratory, University of Chicago
Classification: Benign. Last evaluated: 2013-08-01. Review status: criteria provided, single submitter. Criteria: ACMG Guidelines, 2007. Collection method: clinical testing. Allele origin: germline.

Breakthrough Genomics
Classification: Benign. Review status: criteria provided, single submitter. Criteria: ACMG Guidelines, 2015. Collection method: not provided. Allele origin: germline. Inheritance: X-linked inheritance. Affected: yes.

PreventionGenetics, part of Exact Sciences
Classification: Benign. Review status: criteria provided, single submitter. Criteria: ACMG Guidelines, 2015. Collection method: clinical testing. Allele origin: germline.

ITMI
No classification provided. Condition: AllHighlyPenetrant. Last evaluated: 2013-09-19. Review status: no classification provided. Collection method: reference population. Allele origin: germline. Not counted in ClinVar's aggregate classification.
Comment: Please see associated publication for description of ethnicities

Dr. Peter K. Rogan Lab, Western University
No classification provided (evidence only). Condition: Acute myeloid leukemia. Review status: no classification provided. Collection method: in vitro. Allele origin: not applicable. Functional consequence: retained intron. Not counted in ClinVar's aggregate classification.

Dr. Peter K. Rogan Lab, Western University
No classification provided (evidence only). Condition: Acute myeloid leukemia. Review status: no classification provided. Collection method: in vitro. Allele origin: not applicable. Functional consequence: retained intron. Not counted in ClinVar's aggregate classification.

Dr. Peter K. Rogan Lab, Western University
No classification provided (evidence only). Condition: Acute myeloid leukemia. Review status: no classification provided. Collection method: in vitro. Allele origin: not applicable. Functional consequence: retained intron. Not counted in ClinVar's aggregate classification.

Dr. Peter K. Rogan Lab, Western University
No classification provided (evidence only). Condition: Acute myeloid leukemia. Review status: no classification provided. Collection method: in vitro. Allele origin: not applicable. Functional consequence: retained intron. Not counted in ClinVar's aggregate classification.

Dr. Peter K. Rogan Lab, Western University
No classification provided (evidence only). Condition: Colorectal cancer. Review status: no classification provided. Collection method: in vitro. Allele origin: not applicable. Functional consequence: retained intron. Not counted in ClinVar's aggregate classification.

Dr. Peter K. Rogan Lab, Western University
No classification provided (evidence only). Condition: Nonpapillary renal cell carcinoma. Review status: no classification provided. Collection method: in vitro. Allele origin: not applicable. Functional consequence: retained intron. Not counted in ClinVar's aggregate classification.

Dr. Peter K. Rogan Lab, Western University
No classification provided (evidence only). Condition: Nonpapillary renal cell carcinoma. Review status: no classification provided. Collection method: in vitro. Allele origin: not applicable. Functional consequence: retained intron. Not counted in ClinVar's aggregate classification.

Dr. Peter K. Rogan Lab, Western University
No classification provided (evidence only). Condition: Thymoma. Review status: no classification provided. Collection method: in vitro. Allele origin: not applicable. Functional consequence: retained intron. Not counted in ClinVar's aggregate classification.

Dr. Peter K. Rogan Lab, Western University
No classification provided (evidence only). Condition: Thymoma. Review status: no classification provided. Collection method: in vitro. Allele origin: not applicable. Functional consequence: retained intron. Not counted in ClinVar's aggregate classification.

Dr. Peter K. Rogan Lab, Western University
No classification provided (evidence only). Condition: Thymoma. Review status: no classification provided. Collection method: in vitro. Allele origin: not applicable. Functional consequence: retained intron. Not counted in ClinVar's aggregate classification.

Dr. Peter K. Rogan Lab, Western University
No classification provided (evidence only). Condition: Thymoma. Review status: no classification provided. Collection method: in vitro. Allele origin: not applicable. Functional consequence: retained intron. Not counted in ClinVar's aggregate classification.

Literature cited by the submitters: PubMed 24728327 (cited by ITMI).

NM_001291415.2(KDM6A):c.2333C>A (p.Thr778Lys)

Gene: KDM6A (lysine demethylase 6A; plus strand). Cytogenetic location: Xp11.3.
Variant type: single nucleotide variant.
Coding change: c.2333C>A on transcript NM_001291415.2 (MANE Select); coding-DNA position 2333, C replaced by A.
Protein change: p.Thr778Lys; replaces threonine 778 with lysine.
Molecular consequence: missense variant. On other transcripts: non-coding transcript variant (1).
Genome position (GRCh38, 1-based): chrX:45,069,832, C>A. VCF-style: chrX-45069832-C-A. GRCh37 (hg19) VCF-style: chrX-44929077-C-A.
Other names: c.2198C>A, p.Thr733Lys (NM_001291416.2); c.2042C>A, p.Thr681Lys (NM_001291417.2); c.1940C>A, p.Thr647Lys (NM_001291418.2); c.1289C>A, p.Thr430Lys (NM_001291421.2); c.2177C>A, p.Thr726Lys (NM_021140.4); c.2177C>A (NM_021140.3); short protein forms T778K, T726K, T647K, T681K, T733K, T430K.
Identifiers: ClinVar variation 134597 (VCV000134597.22), dbSNP rs2230018, ClinGen allele CA160293.